The following is an entry in ClinVar:

NM_002485.5(NBN):c.712T>G (p.Leu238Val)

Gene: NBN (nibrin; minus strand). Cytogenetic location: 8q21.3.
Variant type: single nucleotide variant.
Coding change: c.712T>G on transcript NM_002485.5 (MANE Select); coding-DNA position 712, T replaced by G.
Protein change: p.Leu238Val; replaces leucine 238 with valine.
Molecular consequence: missense variant.
Genome position (GRCh38, 1-based): chr8:89,970,548, A>C on the plus strand (T>G on the coding strand, the complement: NBN is on the minus strand). VCF-style: chr8-89970548-A-C. GRCh37 (hg19) VCF-style: chr8-90982776-A-C.
Other names: c.466T>G, p.Leu156Val (NM_001024688.3); short protein forms L156V, L238V.
Identifiers: ClinVar variation 3780008 (VCV003780008.2).
Genomic context (GRCh38, chr8:89,970,548, plus strand): 5'-CTTCATTCTCTTCTGTTATCAACCTAGCTTCCCCACCTCCAAAGACAACTGCGGAACTCA[A>C]TTTCTTATGCTAAAAATGGAAGGAAACATTTTTTAAAGTAAAATGTAGTAATTTTTTGAA-3'
Protein context (NP_002476.2, residues 228-248): IFLNAKQHKK[Leu238Val]SSAVVFGGGE

ClinVar aggregate classification (germline): Uncertain significance. Review status: criteria provided, multiple submitters, no conflicts (2 of 4 stars). 2 submissions from 2 submitters: Uncertain significance (2). Last evaluated 2026-07-06.

Conditions:
Hereditary breast ovarian cancer syndrome. Also called: Hereditary breast and ovarian cancer; Breast and ovarian cancer; Hereditary breast and/or ovarian cancer syndrome; Hereditary breast and ovarian cancer syndrome (HBOC); BRCA1- and BRCA2-Associated Hereditary Breast and Ovarian Cancer; Hereditary breast and ovarian cancer syndrome. Identifiers: Orphanet 145, MedGen C0677776, MeSH D061325, MONDO:0003582. Disease mechanism: loss of function.
Hereditary cancer-predisposing syndrome. Also called: Tumor predisposition; Hereditary neoplastic syndrome; Hereditary Cancer Syndrome; Neoplastic Syndromes, Hereditary. Identifiers: Orphanet 140162, MedGen C0027672, MeSH D009386, MONDO:0015356.

Submissions (2):

Ambry Genetics
Classification: Uncertain significance for Hereditary cancer-predisposing syndrome. Last evaluated: 2026-07-06. Review status: criteria provided, single submitter. Criteria: Ambry Variant Classification Scheme 2023. Collection method: clinical testing. Allele origin: germline.
Comment: The p.L238V variant (also known as c.712T>G), located in coding exon 7 of the NBN gene, results from a T to G substitution at nucleotide position 712. The leucine at codon 238 is replaced by valine, an amino acid with highly similar properties. This amino acid position is conserved. In addition, the in silico prediction for this alteration is inconclusive. Based on the available evidence, the clinical significance of this variant remains unclear.

Department of Pathology and Laboratory Medicine, Sinai Health System
Classification: Uncertain significance for Hereditary breast ovarian cancer syndrome. Last evaluated: 2021-11-30. Review status: criteria provided, single submitter. Criteria: ACMG Guidelines, 2015. Collection method: clinical testing. Allele origin: germline. Affected: yes.